The following is an entry in ClinVar:

ClinVar aggregate classification (germline): Likely benign. Review status: criteria provided, multiple submitters, no conflicts (2 of 4 stars). 4 submissions from 4 submitters: Likely benign (4). Last evaluated 2025-07-24.

Conditions:
Cardiovascular phenotype. Identifiers: MedGen CN230736.
Cardiomyopathy (CMYO). Also called: Cardiomyopathies. Identifiers: Orphanet 167848, MedGen C0878544, MONDO:0004994, HP:0001638. Inheritance: Various modes of inheritance.
Arrhythmogenic right ventricular dysplasia 10. Also called: ARRHYTHMOGENIC RIGHT VENTRICULAR DYSPLASIA, FAMILIAL, 10; Arrhythmogenic right ventricular dysplasia/cardiomyopathy, type 10; Arrhythmogenic Right Ventricular Dysplasia/Cardiomyopathy10. Identifiers: MedGen C1857777, MONDO:0012434, OMIM 610193.

Allele frequency attached by ClinVar (database versions not stated): gnomAD exomes 0.00001.
gnomAD v4.1: 5 of 1,614,028 alleles (0.00031%); highest among the groups gnomAD compares: Non-Finnish European, 0.00042%; no homozygotes.

Submissions (4):

Molecular Diagnostic Laboratory for Inherited Cardiovascular Disease, Montreal Heart Institute
Classification: Likely benign. Last evaluated: 2025-07-24. Review status: criteria provided, single submitter. Criteria: ACMG Guidelines, 2015. Collection method: clinical testing. Allele origin: germline. Affected: no.
Comment: BP7

Labcorp Genetics (formerly Invitae), Labcorp
Classification: Likely benign for Arrhythmogenic right ventricular dysplasia 10. Last evaluated: 2024-10-06. Review status: criteria provided, single submitter. Criteria: Invitae Variant Classification Sherloc (09022015). Collection method: clinical testing. Allele origin: germline.

Ambry Genetics
Classification: Likely benign for Cardiovascular phenotype. Last evaluated: 2024-08-31. Review status: criteria provided, single submitter. Criteria: Ambry Variant Classification Scheme 2023. Collection method: clinical testing. Allele origin: germline.

Color Diagnostics, LLC DBA Color Health
Classification: Likely benign for Cardiomyopathy. Last evaluated: 2021-06-28. Review status: criteria provided, single submitter. Criteria: ACMG Guidelines, 2015. Collection method: clinical testing. Allele origin: germline.

NM_001943.5(DSG2):c.1998C>T (p.Asp666=)

Gene: DSG2 (desmoglein 2; plus strand). Cytogenetic location: 18q12.1.
Variant type: single nucleotide variant.
Coding change: c.1998C>T on transcript NM_001943.5 (MANE Select); coding-DNA position 1998, C replaced by T.
Protein change: p.Asp666=; no amino-acid change (aspartic acid 666 retained).
Molecular consequence: synonymous variant.
Genome position (GRCh38, 1-based): chr18:31,541,311, C>T. VCF-style: chr18-31541311-C-T. GRCh37 (hg19) VCF-style: chr18-29121274-C-T.
Other names: c.1998C>T (NM_001943.3).
Identifiers: ClinVar variation 1331887 (VCV001331887.9), dbSNP rs1012080257, ClinGen allele CA297699734.